The following is an entry in ClinVar:

NM_001370259.2(MEN1):c.1351-24_1351-14del

Gene: MEN1 (menin 1; minus strand). Cytogenetic location: 11q13.1.
Variant type: Microsatellite.
Coding change: c.1351-24_1351-14del on transcript NM_001370259.2 (MANE Select); 24 bases into the intron before coding-DNA position 1351 through 14 bases into the intron before coding-DNA position 1351, 11 bases deleted (ACCTTGCTCTC).
Molecular consequence: intron variant.
Genome position (GRCh38, 1-based): chr11:64,804,830-64,804,840, GAGAGCAAGGT deleted on the plus strand (ACCTTGCTCTC on the coding strand, the reverse complement: MEN1 is on the minus strand); deleting any 11 consecutive bases within chr11:64,804,830-64,804,851 gives the same sequence; the c. name uses the placement nearest the transcript's 3' end. VCF-style (leftmost placement, unchanged base first): chr11-64804829-GGAGAGCAAGGT-G. GRCh37 (hg19) VCF-style: chr11-64572301-GGAGAGCAAGGT-G.
Other names: c.1366-24_1366-14del (NM_130803.3, NM_000244.4, NM_130801.3 and 3 more transcripts); c.1351-24_1351-14del (NM_130799.3, NM_001370260.2, NM_001370261.2); c.1477-24_1477-14del (NM_001370251.2); c.1246-24_1246-14del (NM_001370263.2, NM_001370262.2); c.1351-24_1351-14del11 (NM_130799.3).
Identifiers: ClinVar variation 1565055 (VCV001565055.11), dbSNP rs753219137, ClinGen allele CA599804021.
Genomic context (GRCh38, chr11:64,804,829, plus strand): 5'-CTCGGCCGCCTCGGCCTCTCGGCTCACTATGCGCACCTTCTGCCGCACCTGGGCCAGTGG[GGAGAGCAAGGT>G]GAGAGCAAGGTTGCCGGCCAGTGGCTGGAACTCCAGGACCCTGCTCTGGCCATCCCATCC-3'

ClinVar aggregate classification (germline): Benign/Likely benign. Review status: criteria provided, multiple submitters, no conflicts (2 of 4 stars). 3 submissions from 3 submitters: Benign (1); Likely benign (2). Last evaluated 2026-01-27.

Conditions:
Multiple endocrine neoplasia, type 1 (MEN1). Also called: MEA I; MEN I; WERMER SYNDROME; Endocrine adenomatosis multiple; MEN 1. Identifiers: Orphanet 652, MedGen C0025267, MeSH D018761, MONDO:0007540, OMIM 131100.

Submissions (3):

Labcorp Genetics (formerly Invitae), Labcorp
Classification: Likely benign for Multiple endocrine neoplasia, type 1. Last evaluated: 2026-01-27. Review status: criteria provided, single submitter. Criteria: Invitae Variant Classification Sherloc (09022015). Collection method: clinical testing. Allele origin: germline.

Women's Health and Genetics/Laboratory Corporation of America, LabCorp
Classification: Likely benign. Last evaluated: 2024-12-20. Review status: criteria provided, single submitter. Criteria: LabCorp Variant Classification Summary - May 2015. Collection method: clinical testing. Allele origin: germline.
Comment: Variant summary: MEN1 c.1351-24_1351-14del11 alters a nucleotide located at a position not widely known to affect splicing. Consensus agreement among computation tools predict no significant impact on normal splicing. However, these predictions have yet to be confirmed by functional studies. The variant allele was found at a frequency of 4.4e-06 in 229510 control chromosomes. The available data on variant occurrences in the general population are insufficient to allow any conclusion about variant significance. To our knowledge, no occurrence of c.1351-24_1351-14del11 in individuals affected with Multiple Endocrine Neoplasia Type 1 and no experimental evidence demonstrating its impact on protein function have been reported. ClinVar contains an entry for this variant (Variation ID: 1565055). Based on the evidence outlined above, the variant was classified as likely benign.

Myriad Genetics, Inc.
Classification: Benign for Multiple endocrine neoplasia, type 1. Last evaluated: 2024-11-05. Review status: criteria provided, single submitter. Criteria: Myriad Autosomal Dominant, Autosomal Recessive and X-Linked Classification Criteria (2023). Collection method: clinical testing. Allele origin: unknown.
Comment: This variant is considered benign. This variant is intronic and is not expected to impact mRNA splicing.